The following is an entry in ClinVar:

ClinVar aggregate classification (germline): Uncertain significance. Review status: criteria provided, multiple submitters, no conflicts (2 of 4 stars). 2 submissions from 2 submitters: Uncertain significance (2). Last evaluated 2025-01-01.

Conditions:
Hereditary cancer-predisposing syndrome. Also called: Hereditary Cancer Syndrome; Hereditary neoplastic syndrome; Neoplastic Syndromes, Hereditary; Tumor predisposition. Identifiers: Orphanet 140162, MedGen C0027672, MeSH D009386, MONDO:0015356.
Parathyroid carcinoma (PRTC). Also called: Parathyroid gland carcinoma; CDC73-Related Parathyroid Carcinoma. Identifiers: Orphanet 143, MedGen C0687150, MONDO:0012004, OMIM 608266, HP:0006780.

Submissions (2):

Labcorp Genetics (formerly Invitae), Labcorp
Classification: Uncertain significance for Parathyroid carcinoma. Last evaluated: 2025-01-01. Review status: criteria provided, single submitter. Criteria: Invitae Variant Classification Sherloc (09022015). Collection method: clinical testing. Allele origin: germline.
Comment: This sequence change falls in intron 5 of the CDC73 gene. It does not directly change the encoded amino acid sequence of the CDC73 protein. It affects a nucleotide within the consensus splice site. This variant is not present in population databases (gnomAD no frequency). This variant has not been reported in the literature in individuals affected with CDC73-related conditions. ClinVar contains an entry for this variant (Variation ID: 1738904). Variants that disrupt the consensus splice site are a relatively common cause of aberrant splicing (PMID: 17576681, 9536098). Algorithms developed to predict the effect of sequence changes on RNA splicing suggest that this variant is not likely to affect RNA splicing. In summary, the available evidence is currently insufficient to determine the role of this variant in disease. Therefore, it has been classified as a Variant of Uncertain Significance.

Ambry Genetics
Classification: Uncertain significance for Hereditary cancer-predisposing syndrome. Last evaluated: 2022-04-21. Review status: criteria provided, single submitter. Criteria: Ambry Variant Classification Scheme 2023. Collection method: clinical testing. Allele origin: germline.
Comment: The c.423+3A>G intronic variant results from an A to G substitution 3 nucleotides after coding exon 5 in the CDC73 gene. This nucleotide position is highly conserved in available vertebrate species. In silico splice site analysis predicts that this alteration will not have any significant effect on splicing. Since supporting evidence is limited at this time, the clinical significance of this alteration remains unclear.

Literature cited by the submitters: PubMed 17576681 (cited by Labcorp Genetics (formerly Invitae), Labcorp); PubMed 9536098 (cited by Labcorp Genetics (formerly Invitae), Labcorp).

NM_024529.5(CDC73):c.423+3A>G

Gene: CDC73 (cell division cycle 73; plus strand). Cytogenetic location: 1q31.2.
Variant type: single nucleotide variant.
Coding change: c.423+3A>G on transcript NM_024529.5 (MANE Select); 3 bases into the intron after coding-DNA position 423, A replaced by G.
Molecular consequence: intron variant.
Genome position (GRCh38, 1-based): chr1:193,135,592, A>G. VCF-style: chr1-193135592-A-G. GRCh37 (hg19) VCF-style: chr1-193104722-A-G.
Identifiers: ClinVar variation 1738904 (VCV001738904.4), dbSNP rs2527312435, ClinGen allele CA2580061739.